The following is an entry in ClinVar:

ClinVar aggregate classification (germline): Likely benign (1 of 4 stars; one submission).

Conditions:
Long QT syndrome (LQTS). Identifiers: MedGen C0023976, MeSH D008133, MONDO:0002442. Disease mechanism: loss of function. Inheritance: Various modes of inheritance.

Submissions (2):

Labcorp Genetics (formerly Invitae), Labcorp
Classification: Likely benign for Long QT syndrome. Last evaluated: 2024-05-18. Review status: criteria provided, single submitter. Criteria: Invitae Variant Classification Sherloc (09022015). Collection method: clinical testing. Allele origin: germline.

Roden Lab, Vanderbilt University Medical Center
No classification provided (evidence only). Condition: Long QT syndrome 5. Review status: no classification provided. Collection method: in vitro. Allele origin: not applicable. Functional consequence: Effect on ion channel function. Not counted in ClinVar's aggregate classification.
ClinVar note: "not provided" was previously submitted as the classification for the variant. However, the classification appeared to be based only on an observation of functional data so it was converted to no classification on 2025-07-30.

NM_000219.6(KCNE1):c.168C>T (p.Phe56=)

Gene: KCNE1 (potassium voltage-gated channel subfamily E regulatory subunit 1; minus strand). Cytogenetic location: 21q22.12.
Variant type: single nucleotide variant.
Coding change: c.168C>T on transcript NM_000219.6 (MANE Select); coding-DNA position 168, C replaced by T.
Protein change: p.Phe56=; no amino-acid change (phenylalanine 56 retained).
Molecular consequence: synonymous variant.
Genome position (GRCh38, 1-based): chr21:34,449,467, G>A on the plus strand (C>T on the coding strand, the complement: KCNE1 is on the minus strand). VCF-style: chr21-34449467-G-A. GRCh37 (hg19) VCF-style: chr21-35821765-G-A.
Other names: c.168C>T, p.Phe56= (NM_001127668.4, NM_001127669.4, NM_001127670.4 and 4 more transcripts).
Identifiers: ClinVar variation 3374229 (VCV003374229.4).